The following is an entry in ClinVar:

ClinVar aggregate classification (germline): Conflicting classifications of pathogenicity. Review status: criteria provided, conflicting classifications (1 of 4 stars). 7 submissions from 5 submitters: Uncertain significance (2); Likely benign (4). 1 of the submissions does not count toward it. Last evaluated 2025-12-13.

Conditions:
Corticosterone methyloxidase type 2 deficiency. Also called: 18-OXIDASE DEFICIENCY; ALDOSTERONE DEFICIENCY DUE TO DEFICIENCY OF STEROID 18-OXIDASE; ALDOSTERONE DEFICIENCY II; CMO II DEFICIENCY; STEROID 18-OXIDASE DEFICIENCY. Identifiers: Orphanet 427, MedGen C3463917, MONDO:0012524, OMIM 610600. Disease mechanism: loss of function.
Corticosterone 18-monooxygenase deficiency. Also called: ALDOSTERONE DEFICIENCY DUE TO DEFECT IN STEROID 18-HYDROXYLASE; ALDOSTERONE DEFICIENCY I; CMO I DEFICIENCY; STEROID 18-HYDROXYLASE DEFICIENCY; 18 Hydroxylase deficiency; Aldosterone deficiency due to defect in 18 hydroxylase. Identifiers: Orphanet 427, MedGen C0268293, MONDO:0008751, OMIM 203400. Disease mechanism: loss of function.
Corticosterone methyl oxidase type II deficiency.
Glucocorticoid-remediable aldosteronism. Also called: ACTH-DEPENDENT HYPERALDOSTERONISM SYNDROME; ALDOSTERONISM, SENSITIVE TO DEXAMETHASONE; FH I; GLUCOCORTICOID-SUPPRESSIBLE HYPERALDOSTERONISM; Hyperaldosteronism, familial, type I. Identifiers: Orphanet 403, MedGen C3838731, MONDO:0007080, OMIM 103900.

Allele frequency attached by ClinVar (database versions not stated): ExAC 0.00018; gnomAD exomes 0.00018 and 0.00028; gnomAD 0.00021; TOPMed 0.00022; ESP Exome Variant Server 0.00031.

Submissions (7):

Labcorp Genetics (formerly Invitae), Labcorp
Classification: Likely benign. Last evaluated: 2025-12-13. Review status: criteria provided, single submitter. Criteria: Invitae Variant Classification Sherloc (09022015). Collection method: clinical testing. Allele origin: germline.

Blueprint Genetics
Classification: Likely benign. Last evaluated: 2024-07-19. Review status: criteria provided, single submitter. Criteria: ACMG Guidelines, 2015. Collection method: clinical testing. Allele origin: germline.

Women's Health and Genetics/Laboratory Corporation of America, LabCorp
Classification: Likely benign. Last evaluated: 2024-04-24. Review status: criteria provided, single submitter. Criteria: LabCorp Variant Classification Summary - May 2015. Collection method: clinical testing. Allele origin: germline.

Illumina Laboratory Services, Illumina
Classification: Uncertain significance for Corticosterone 18-monooxygenase deficiency. Last evaluated: 2018-01-13. Review status: criteria provided, single submitter. Criteria: ICSL Variant Classification Criteria 13 December 2019. Collection method: clinical testing. Allele origin: germline.

Illumina Laboratory Services, Illumina
Classification: Likely benign for Hyperaldosteronism, familial, type I. Last evaluated: 2018-01-13. Review status: criteria provided, single submitter. Criteria: ICSL Variant Classification Criteria 13 December 2019. Collection method: clinical testing. Allele origin: germline.
Comment: This variant was observed in the ICSL laboratory as part of a predisposition screen in an ostensibly healthy population. It had not been previously curated by ICSL or reported in the Human Gene Mutation Database (HGMD: prior to June 1st, 2018), and was therefore a candidate for classification through an automated scoring system. Utilizing variant allele frequency, disease prevalence and penetrance estimates, and inheritance mode, an automated score was calculated to assess if this variant is too frequent to cause the disease. Based on the score and internal cut-off values, a variant classified as likely benign is not then subjected to further curation. The score for this variant resulted in a classification of likely benign for this disease.

Illumina Laboratory Services, Illumina
Classification: Uncertain significance for Corticosterone methyloxidase type 2 deficiency. Last evaluated: 2018-01-13. Review status: criteria provided, single submitter. Criteria: ICSL Variant Classification Criteria 13 December 2019. Collection method: clinical testing. Allele origin: germline.

Natera, Inc.
Classification: Likely benign for Corticosterone methyl oxidase type II deficiency. Last evaluated: 2020-04-15. Review status: no assertion criteria provided. Collection method: clinical testing. Allele origin: germline. Not counted in ClinVar's aggregate classification.

NM_000498.3(CYP11B2):c.9C>A (p.Leu3=)

Genes: CYP11B2 (cytochrome P450 family 11 subfamily B member 2; minus strand), LOC106799834 (CYP11B2 recombination region; plus strand). Cytogenetic location: 8q24.3.
Variant type: single nucleotide variant.
Coding change: c.9C>A on transcript NM_000498.3 (MANE Select); coding-DNA position 9, C replaced by A.
Protein change: p.Leu3=; no amino-acid change (leucine 3 retained).
Molecular consequence: synonymous variant.
Genome position (GRCh38, 1-based): chr8:142,917,832, G>T on the plus strand (C>A on the coding strand, the complement: CYP11B2 is on the minus strand). VCF-style: chr8-142917832-G-T. GRCh37 (hg19) VCF-style: chr8-143999248-G-T.
Identifiers: ClinVar variation 740402 (VCV000740402.17), dbSNP rs148205451, ClinGen allele CA4906395.